The following is an entry in ClinVar:

NM_000183.3(HADHB):c.353A>T (p.Glu118Val)

Gene: HADHB (hydroxyacyl-CoA dehydrogenase trifunctional multienzyme complex subunit beta; plus strand). Cytogenetic location: 2p23.3.
Variant type: single nucleotide variant.
Coding change: c.353A>T on transcript NM_000183.3 (MANE Select); coding-DNA position 353, A replaced by T.
Protein change: p.Glu118Val; replaces glutamic acid 118 with valine.
Molecular consequence: missense variant.
Genome position (GRCh38, 1-based): chr2:26,273,749, A>T. VCF-style: chr2-26273749-A-T. GRCh37 (hg19) VCF-style: chr2-26496617-A-T.
Other names: c.308A>T, p.Glu103Val (NM_001281512.2); c.287A>T, p.Glu96Val (NM_001281513.2); short protein forms E96V, E103V, E118V.
Identifiers: ClinVar variation 1440169 (VCV001440169.7), dbSNP rs761005966, ClinGen allele CA1560184.

ClinVar aggregate classification (germline): Uncertain significance (1 of 4 stars; one submission).

Conditions:
Mitochondrial trifunctional protein deficiency. Identifiers: Orphanet 746, MedGen C1969443, MONDO:0012172.

Allele frequency attached by ClinVar (database versions not stated): ExAC 0.00002; gnomAD 0.00002; gnomAD exomes 0.00002 and 0.00004; TOPMed 0.00002.
gnomAD v4.1: 55 of 1,518,716 alleles (0.0036%); highest among the groups gnomAD compares: Non-Finnish European, 0.0048%; no homozygotes.

Submissions (2):

Labcorp Genetics (formerly Invitae), Labcorp
Classification: Uncertain significance for Mitochondrial trifunctional protein deficiency. Last evaluated: 2025-12-15. Review status: criteria provided, single submitter. Criteria: Invitae Variant Classification Sherloc (09022015). Collection method: clinical testing. Allele origin: germline.
Comment: This sequence change replaces glutamic acid, which is acidic and polar, with valine, which is neutral and non-polar, at codon 118 of the HADHB protein (p.Glu118Val). This variant is present in population databases (rs761005966, gnomAD 0.007%). This variant has not been reported in the literature in individuals affected with HADHB-related conditions. ClinVar contains an entry for this variant (Variation ID: 1440169). An algorithm developed to predict the effect of missense changes on protein structure and function (PolyPhen-2) suggests that this variant is likely to be disruptive. In summary, the available evidence is currently insufficient to determine the role of this variant in disease. Therefore, it has been classified as a Variant of Uncertain Significance.

Dr. Peter K. Rogan Lab, Western University
No classification provided (evidence only). Condition: Colon adenocarcinoma. Review status: no classification provided. Collection method: in vitro. Allele origin: not applicable. Functional consequence: retained intron. Not counted in ClinVar's aggregate classification.